The following is an entry in ClinVar:

NM_006231.4(POLE):c.2478G>T (p.Trp826Cys)

Gene: POLE (DNA polymerase epsilon, catalytic subunit; minus strand). Cytogenetic location: 12q24.33.
Variant type: single nucleotide variant.
Coding change: c.2478G>T on transcript NM_006231.4 (MANE Select); coding-DNA position 2478, G replaced by T.
Protein change: p.Trp826Cys; replaces tryptophan 826 with cysteine.
Molecular consequence: missense variant.
Genome position (GRCh38, 1-based): chr12:132,664,453, C>A on the plus strand (G>T on the coding strand, the complement: POLE is on the minus strand). VCF-style: chr12-132664453-C-A. GRCh37 (hg19) VCF-style: chr12-133241039-C-A.
Other names: c.2478G>T (NM_006231.2); short protein forms W826C.
Identifiers: ClinVar variation 1697402 (VCV001697402.12), dbSNP rs375426113, ClinGen allele CA387396650.

ClinVar aggregate classification (germline): Uncertain significance. Review status: criteria provided, multiple submitters, no conflicts (2 of 4 stars). 3 submissions from 3 submitters: Uncertain significance (3). Last evaluated 2025-03-04.

Conditions:
Hereditary cancer-predisposing syndrome. Also called: Hereditary neoplastic syndrome; Tumor predisposition; Neoplastic Syndromes, Hereditary; Hereditary Cancer Syndrome. Identifiers: Orphanet 140162, MedGen C0027672, MeSH D009386, MONDO:0015356.

Allele frequency attached by ClinVar (database versions not stated): gnomAD exomes below 0.00001.
gnomAD v4.1: 1 of 1,613,888 alleles (0.000062%); highest among the groups gnomAD compares: Non-Finnish European, 0.000085%; no homozygotes.

Submissions (3):

Center for Genomic Medicine, Rigshospitalet, Copenhagen University Hospital
Classification: Uncertain significance. Last evaluated: 2025-03-04. Review status: criteria provided, single submitter. Criteria: ACMG Guidelines, 2015. Collection method: clinical testing. Allele origin: germline.

Labcorp Genetics (formerly Invitae), Labcorp
Classification: Uncertain significance. Last evaluated: 2023-03-12. Review status: criteria provided, single submitter. Criteria: Invitae Variant Classification Sherloc (09022015). Collection method: clinical testing. Allele origin: germline.
Comment: In summary, the available evidence is currently insufficient to determine the role of this variant in disease. Therefore, it has been classified as a Variant of Uncertain Significance. Advanced modeling of protein sequence and biophysical properties (such as structural, functional, and spatial information, amino acid conservation, physicochemical variation, residue mobility, and thermodynamic stability) performed at Invitae indicates that this missense variant is expected to disrupt POLE protein function. ClinVar contains an entry for this variant (Variation ID: 1697402). This variant has not been reported in the literature in individuals affected with POLE-related conditions. This variant is present in population databases (no rsID available, gnomAD 0.0009%). This sequence change replaces tryptophan, which is neutral and slightly polar, with cysteine, which is neutral and slightly polar, at codon 826 of the POLE protein (p.Trp826Cys).

Ambry Genetics
Classification: Uncertain significance for Hereditary cancer-predisposing syndrome. Last evaluated: 2022-03-19. Review status: criteria provided, single submitter. Criteria: Ambry Variant Classification Scheme 2023. Collection method: clinical testing. Allele origin: germline.
Comment: The p.W826C variant (also known as c.2478G>T), located in coding exon 22 of the POLE gene, results from a G to T substitution at nucleotide position 2478. The tryptophan at codon 826 is replaced by cysteine, an amino acid with highly dissimilar properties. This amino acid position is conserved. In addition, this alteration is predicted to be deleterious by in silico analysis. Since supporting evidence is limited at this time, the clinical significance of this alteration remains unclear.